The following is an entry in ClinVar:

NM_173628.4(DNAH17):c.1417G>A (p.Asp473Asn)

Gene: DNAH17 (dynein axonemal heavy chain 17; minus strand). Cytogenetic location: 17q25.3.
Variant type: single nucleotide variant.
Coding change: c.1417G>A on transcript NM_173628.4 (MANE Select); coding-DNA position 1417, G replaced by A.
Protein change: p.Asp473Asn; replaces aspartic acid 473 with asparagine.
Molecular consequence: missense variant.
Genome position (GRCh38, 1-based): chr17:78,567,034, C>T on the plus strand (G>A on the coding strand, the complement: DNAH17 is on the minus strand). VCF-style: chr17-78567034-C-T. GRCh37 (hg19) VCF-style: chr17-76563116-C-T.
Other names: short protein forms D473N.
Identifiers: ClinVar variation 3055265 (VCV003055265.2), dbSNP rs140052280, ClinGen allele CA8805188.

ClinVar aggregate classification (germline): Benign (0 of 4 stars; one submission).

Conditions:
DNAH17-related disorder. Also called: DNAH17-related condition.

Allele frequency attached by ClinVar (database versions not stated): ESP Exome Variant Server 0.00085; gnomAD 0.00375; ExAC 0.01031; 1000 Genomes Project 30x 0.01249; 1000 Genomes Project 0.01358.
gnomAD v4.1: 7,233 of 1,613,538 alleles (0.45%); highest among the groups gnomAD compares: East Asian, 4.1%; 152 homozygotes.

Submission:

PreventionGenetics, part of Exact Sciences
Classification: Benign for DNAH17-related condition. Last evaluated: 2019-03-26. Review status: no assertion criteria provided. Collection method: clinical testing. Allele origin: germline.
Comment: This variant is classified as benign based on ACMG/AMP sequence variant interpretation guidelines (Richards et al. 2015 PMID: 25741868, with internal and published modifications).